The following is an entry in ClinVar:

ClinVar aggregate classification (germline): Uncertain significance (1 of 4 stars; one submission).

Allele frequency attached by ClinVar (database versions not stated): gnomAD exomes below 0.00001 and 0.00001; TOPMed below 0.00001; gnomAD 0.00001; ExAC 0.00002.

Submission:

Labcorp Genetics (formerly Invitae), Labcorp
Classification: Uncertain significance. Last evaluated: 2025-03-31. Review status: criteria provided, single submitter. Criteria: Invitae Variant Classification Sherloc (09022015). Collection method: clinical testing. Allele origin: germline.
Comment: This sequence change replaces arginine, which is basic and polar, with glutamine, which is neutral and polar, at codon 93 of the PEX11B protein (p.Arg93Gln). This variant is present in population databases (rs782151959, gnomAD 0.002%). This variant has not been reported in the literature in individuals affected with PEX11B-related conditions. ClinVar contains an entry for this variant (Variation ID: 1345421). An algorithm developed to predict the effect of missense changes on protein structure and function (PolyPhen-2) suggests that this variant is likely to be disruptive. In summary, the available evidence is currently insufficient to determine the role of this variant in disease. Therefore, it has been classified as a Variant of Uncertain Significance.

NM_003846.3(PEX11B):c.278G>A (p.Arg93Gln)

Gene: PEX11B (peroxisomal biogenesis factor 11 beta; minus strand). Cytogenetic location: 1q21.1.
Variant type: single nucleotide variant.
Coding change: c.278G>A on transcript NM_003846.3 (MANE Select); coding-DNA position 278, G replaced by A.
Protein change: p.Arg93Gln; replaces arginine 93 with glutamine.
Molecular consequence: missense variant. On other transcripts: non-coding transcript variant (3).
Genome position (GRCh38, 1-based): chr1:145,916,913, C>T on the plus strand (G>A on the coding strand, the complement: PEX11B is on the minus strand). VCF-style: chr1-145916913-C-T. GRCh37 (hg19) VCF-style: chr1-145518176-G-A.
Other names: c.236G>A, p.Arg79Gln (NM_001184795.1); short protein forms R79Q, R93Q.
Identifiers: ClinVar variation 1345421 (VCV001345421.8), dbSNP rs782151959, ClinGen allele CA1055561.